The following is an entry in ClinVar:

ClinVar aggregate classification (germline): Uncertain significance. Review status: criteria provided, multiple submitters, no conflicts (2 of 4 stars). 3 submissions from 3 submitters: Uncertain significance (3). Last evaluated 2025-06-28.

Conditions:
Arginase deficiency. Also called: ARGININEMIA; ARG1 DEFICIENCY; Arginase 1 Deficiency. Identifiers: Orphanet 90, MedGen C0268548, MONDO:0008814, OMIM 207800.

Allele frequency attached by ClinVar (database versions not stated): gnomAD 0.00001; TOPMed 0.00003; gnomAD exomes below 0.00001; ExAC 0.00001.
gnomAD v4.1: 6 of 1,613,536 alleles (0.00037%); highest among the groups gnomAD compares: Admixed American, 0.005%; no homozygotes.

Submissions (3):

GeneDx
Classification: Uncertain significance. Last evaluated: 2025-06-28. Review status: criteria provided, single submitter. Criteria: GeneDx Variant Classification Process June 2021. Collection method: clinical testing. Allele origin: germline. Affected: yes.
Comment: Not observed at significant frequency in large population cohorts (gnomAD); In silico analysis suggests that this missense variant does not alter protein structure/function; Has not been previously published as pathogenic or benign to our knowledge

Labcorp Genetics (formerly Invitae), Labcorp
Classification: Uncertain significance for Arginase deficiency. Last evaluated: 2024-05-15. Review status: criteria provided, single submitter. Criteria: Invitae Variant Classification Sherloc (09022015). Collection method: clinical testing. Allele origin: germline.
Comment: This sequence change replaces tyrosine, which is neutral and polar, with histidine, which is basic and polar, at codon 197 of the ARG1 protein (p.Tyr197His). This variant is present in population databases (rs771334658, gnomAD 0.003%). This variant has not been reported in the literature in individuals affected with ARG1-related conditions. ClinVar contains an entry for this variant (Variation ID: 1987241). Advanced modeling of protein sequence and biophysical properties (such as structural, functional, and spatial information, amino acid conservation, physicochemical variation, residue mobility, and thermodynamic stability) performed at Invitae indicates that this missense variant is not expected to disrupt ARG1 protein function with a negative predictive value of 80%. In summary, the available evidence is currently insufficient to determine the role of this variant in disease. Therefore, it has been classified as a Variant of Uncertain Significance.

Revvity Omics, Revvity
Classification: Uncertain significance for Arginase deficiency. Last evaluated: 2019-12-12. Review status: criteria provided, single submitter. Criteria: ACMG Guidelines, 2015. Collection method: clinical testing. Allele origin: germline.

NM_000045.4(ARG1):c.589T>C (p.Tyr197His)

Genes: ARG1 (arginase 1; plus strand), MED23 (mediator complex subunit 23; minus strand). Cytogenetic location: 6q23.2.
Variant type: single nucleotide variant.
Coding change: c.589T>C on transcript NM_000045.4 (MANE Select); coding-DNA position 589, T replaced by C.
Protein change: p.Tyr197His; replaces tyrosine 197 with histidine.
Molecular consequence: missense variant. On other transcripts: non-coding transcript variant (1), intron variant (2).
Genome position (GRCh38, 1-based): chr6:131,583,088, T>C. VCF-style: chr6-131583088-T-C. GRCh37 (hg19) VCF-style: chr6-131904228-T-C.
Other names: c.589T>C (NM_000045.2); c.613T>C, p.Tyr205His (NM_001244438.2); c.334T>C, p.Tyr112His (NM_001369020.1); c.4077+4621A>G (NM_001270521.2); c.4095+4621A>G (NM_015979.4); short protein forms Y112H, Y197H, Y205H.
Identifiers: ClinVar variation 1987241 (VCV001987241.5), dbSNP rs771334658, ClinGen allele CA3999318.